The following is an entry in ClinVar:

ClinVar aggregate classification (germline): Uncertain significance (1 of 4 stars; one submission).

Submission:

Labcorp Genetics (formerly Invitae), Labcorp
Classification: Uncertain significance. Last evaluated: 2024-12-03. Review status: criteria provided, single submitter. Criteria: Invitae Variant Classification Sherloc (09022015). Collection method: clinical testing. Allele origin: germline.
Comment: This sequence change replaces glutamic acid, which is acidic and polar, with glutamine, which is neutral and polar, at codon 1159 of the TCF20 protein (p.Glu1159Gln). This variant is not present in population databases (gnomAD no frequency). This variant has not been reported in the literature in individuals affected with TCF20-related conditions. An algorithm developed to predict the effect of missense changes on protein structure and function (PolyPhen-2) suggests that this variant is likely to be disruptive. In summary, the available evidence is currently insufficient to determine the role of this variant in disease. Therefore, it has been classified as a Variant of Uncertain Significance.

NM_001378418.1(TCF20):c.3475G>C (p.Glu1159Gln)

Gene: TCF20 (transcription factor 20; minus strand). Cytogenetic location: 22q13.2.
Variant type: single nucleotide variant.
Coding change: c.3475G>C on transcript NM_001378418.1 (MANE Select); coding-DNA position 3475, G replaced by C.
Protein change: p.Glu1159Gln; replaces glutamic acid 1159 with glutamine.
Molecular consequence: missense variant.
Genome position (GRCh38, 1-based): chr22:42,211,831, C>G on the plus strand (G>C on the coding strand, the complement: TCF20 is on the minus strand). VCF-style: chr22-42211831-C-G. GRCh37 (hg19) VCF-style: chr22-42607837-C-G.
Other names: c.3475G>C, p.Glu1159Gln (NM_005650.4, NM_181492.3); short protein forms E1159Q.
Identifiers: ClinVar variation 3726547 (VCV003726547.2).
Genomic context (GRCh38, chr22:42,211,831, plus strand): 5'-GCTTTAATTCCATGCCCTTGTTAGGCAGACCATCACTAGACATTAGGCAGCGCCCAGCCT[C>G]CTGGGCACTGGGGTCATGGTAAGTCCCCACTGGTGGGCCATACATCATACCATCTTTGTC-3'
Protein context (NP_001365347.1, residues 1149-1169): VGTYHDPSAQ[Glu1159Gln]AGRCLMSSDG